The following is an entry in ClinVar:

ClinVar aggregate classification (germline): Uncertain significance (1 of 4 stars; one submission).

Submission:

Labcorp Genetics (formerly Invitae), Labcorp
Classification: Uncertain significance. Last evaluated: 2021-12-13. Review status: criteria provided, single submitter. Criteria: Invitae Variant Classification Sherloc (09022015). Collection method: clinical testing. Allele origin: germline.
Comment: This variant has not been reported in the literature in individuals affected with EIF2AK3-related conditions. In summary, the available evidence is currently insufficient to determine the role of this variant in disease. Therefore, it has been classified as a Variant of Uncertain Significance. Algorithms developed to predict the effect of sequence changes on RNA splicing suggest that this variant may create or strengthen a splice site. This variant is not present in population databases (gnomAD no frequency). This sequence change falls in intron 6 of the EIF2AK3 gene. It does not directly change the encoded amino acid sequence of the EIF2AK3 protein.

NM_004836.7(EIF2AK3):c.1166-11G>A

Gene: EIF2AK3 (eukaryotic translation initiation factor 2 alpha kinase 3; minus strand). Cytogenetic location: 2p11.2.
Variant type: single nucleotide variant.
Coding change: c.1166-11G>A on transcript NM_004836.7 (MANE Select); 11 bases into the intron before coding-DNA position 1166, G replaced by A.
Molecular consequence: intron variant.
Genome position (GRCh38, 1-based): chr2:88,588,912, C>T on the plus strand (G>A on the coding strand, the complement: EIF2AK3 is on the minus strand). VCF-style: chr2-88588912-C-T. GRCh37 (hg19) VCF-style: chr2-88888430-C-T.
Other names: c.713-11G>A (NM_001313915.2).
Identifiers: ClinVar variation 1517783 (VCV001517783.6), dbSNP rs1043086018, ClinGen allele CA2573135930.